The following is an entry in ClinVar:

NM_002397.5(MEF2C):c.686C>T (p.Pro229Leu)

Gene: MEF2C (myocyte enhancer factor 2C; minus strand). Cytogenetic location: 5q14.3.
Variant type: single nucleotide variant.
Coding change: c.686C>T on transcript NM_002397.5 (MANE Select); coding-DNA position 686, C replaced by T.
Protein change: p.Pro229Leu; replaces proline 229 with leucine.
Molecular consequence: missense variant.
Genome position (GRCh38, 1-based): chr5:88,731,853, G>A on the plus strand (C>T on the coding strand, the complement: MEF2C is on the minus strand). VCF-style: chr5-88731853-G-A. GRCh37 (hg19) VCF-style: chr5-88027670-G-A.
Other names: c.686C>T, p.Pro229Leu (NM_001364341.2, NM_001364342.2, NM_001364345.2 and 18 more transcripts); c.680C>T, p.Pro227Leu (NM_001364343.2, NM_001364352.2, NM_001131005.2); c.542C>T, p.Pro181Leu (NM_001364344.2, NM_001364354.2, NM_001364355.2 and 3 more transcripts); c.308C>T, p.Pro103Leu (NM_001364353.2, NM_001364356.2); c.260C>T, p.Pro87Leu (NM_001364357.2); c.740C>T, p.Pro247Leu (NM_001193347.1, NM_001364338.2); short protein forms P103L, P181L, P227L, P229L, P247L, P87L.
Identifiers: ClinVar variation 1343020 (VCV001343020.3), dbSNP rs1761808498, ClinGen allele CA360423429.

ClinVar aggregate classification (germline): Uncertain significance (1 of 4 stars; one submission).

Allele frequency attached by ClinVar (database versions not stated): TOPMed below 0.00001; gnomAD 0.00001.
gnomAD v4.1: 1 of 1,613,098 alleles (0.000062%); highest among the groups gnomAD compares: Non-Finnish European, 0.000085%; no homozygotes.

Submission:

GeneDx
Classification: Uncertain significance. Last evaluated: 2022-12-30. Review status: criteria provided, single submitter. Criteria: GeneDx Variant Classification Process June 2021. Collection method: clinical testing. Allele origin: germline. Affected: yes.
Comment: Not observed at significant frequency in large population cohorts (gnomAD); In silico analysis supports that this missense variant has a deleterious effect on protein structure/function; Has not been previously published as pathogenic or benign to our knowledge